The following is an entry in ClinVar:

NM_201384.3(PLEC):c.4964A>G (p.Lys1655Arg)

Gene: PLEC (plectin; minus strand). Cytogenetic location: 8q24.3.
Variant type: single nucleotide variant.
Coding change: c.4964A>G on transcript NM_201384.3 (MANE Select); coding-DNA position 4964, A replaced by G.
Protein change: p.Lys1655Arg; replaces lysine 1655 with arginine.
Molecular consequence: missense variant. On other transcripts: intron variant (1).
Genome position (GRCh38, 1-based): chr8:143,924,965, T>C on the plus strand (A>G on the coding strand, the complement: PLEC is on the minus strand). VCF-style: chr8-143924965-T-C. GRCh37 (hg19) VCF-style: chr8-144999133-T-C.
Other names: c.5045A>G, p.Lys1682Arg (NM_000445.5); c.4922A>G, p.Lys1641Arg (NM_201378.4); c.4898A>G, p.Lys1633Arg (NM_201379.3); c.5375A>G, p.Lys1792Arg (NM_201380.4); c.4868A>G, p.Lys1623Arg (NM_201381.3); c.4964A>G, p.Lys1655Arg (NM_201382.4); c.4976A>G, p.Lys1659Arg (NM_201383.3); c.4125+1819A>G (NM_001410941.1); short protein forms K1623R, K1633R, K1641R, K1655R, K1659R, K1682R, K1792R.
Identifiers: ClinVar variation 3756782 (VCV003756782.2).

ClinVar aggregate classification (germline): Uncertain significance (1 of 4 stars; one submission).

Conditions:
Epidermolysis bullosa simplex with nail dystrophy (EBS5D). Identifiers: MedGen C4225309, MONDO:0014661, OMIM 616487.
Epidermolysis bullosa simplex, Ogna type (EBS5A). Also called: Pidermolysis bullosa simplex 5A, Ogna type; EPIDERMOLYSIS BULLOSA SIMPLEX 5A, OGNA TYPE. Identifiers: Orphanet 79401, MedGen C0432317, MONDO:0007555, OMIM 131950.
Autosomal recessive limb-girdle muscular dystrophy type 2Q (LGMDR17). Also called: MUSCULAR DYSTROPHY, LIMB-GIRDLE, AUTOSOMAL RECESSIVE 17. Identifiers: Orphanet 254361, MedGen C3150989, MONDO:0013390, OMIM 613723.
Epidermolysis bullosa simplex 5B, with muscular dystrophy (EBS5B). Also called: EPIDERMOLYSIS BULLOSA SIMPLEX AND LIMB-GIRDLE MUSCULAR DYSTROPHY; Epidermolysis bullosa simplex with muscular dystrophy. Identifiers: Orphanet 257, MedGen C2931072, MONDO:0009181, OMIM 226670.
Epidermolysis bullosa simplex 5C, with pyloric atresia (EBS5C). Also called: PLEC-Related Epidermolysis Bullosa with Pyloric Atresia; Epidermolysis bullosa simplex with pyloric atresia; PLEC1-Related Epidermolysis Bullosa with Pyloric Atresia. Identifiers: Orphanet 158684, MedGen C2677349, MONDO:0012807, OMIM 612138.

Submission:

Labcorp Genetics (formerly Invitae), Labcorp
Classification: Uncertain significance for Autosomal recessive limb-girdle muscular dystrophy type 2Q; Epidermolysis bullosa simplex, Ogna type; Epidermolysis bullosa simplex with nail dystrophy; Epidermolysis bullosa simplex 5C, with pyloric atresia; Epidermolysis bullosa simplex 5B, with muscular dystrophy. Last evaluated: 2024-12-12. Review status: criteria provided, single submitter. Criteria: Invitae Variant Classification Sherloc (09022015). Collection method: clinical testing. Allele origin: germline.
Comment: This sequence change replaces lysine, which is basic and polar, with arginine, which is basic and polar, at codon 1682 of the PLEC protein (p.Lys1682Arg). This variant is not present in population databases (gnomAD no frequency). This variant has not been reported in the literature in individuals affected with PLEC-related conditions. Experimental studies and prediction algorithms are not available or were not evaluated, and the functional significance of this variant is currently unknown. In summary, the available evidence is currently insufficient to determine the role of this variant in disease. Therefore, it has been classified as a Variant of Uncertain Significance.